The following is an entry in ClinVar:

NM_021625.5(TRPV4):c.621C>G (p.Asn207Lys)

Gene: TRPV4 (transient receptor potential cation channel subfamily V member 4; minus strand). Cytogenetic location: 12q24.11.
Variant type: single nucleotide variant.
Coding change: c.621C>G on transcript NM_021625.5 (MANE Select); coding-DNA position 621, C replaced by G.
Protein change: p.Asn207Lys; replaces asparagine 207 with lysine.
Molecular consequence: missense variant.
Genome position (GRCh38, 1-based): chr12:109,803,082, G>C on the plus strand (C>G on the coding strand, the complement: TRPV4 is on the minus strand). VCF-style: chr12-109803082-G-C. GRCh37 (hg19) VCF-style: chr12-110240887-G-C.
Other names: c.621C>G, p.Asn207Lys (NM_001177428.2, NM_001177433.2, NM_147204.3); c.519C>G, p.Asn173Lys (NM_001177431.2); short protein forms N173K, N207K.
Identifiers: ClinVar variation 2163553 (VCV002163553.4), dbSNP rs777168770, ClinGen allele CA386656152.

ClinVar aggregate classification (germline): Uncertain significance (1 of 4 stars; one submission).

Conditions:
Charcot-Marie-Tooth disease axonal type 2C (HMSN2C). Also called: CHARCOT-MARIE-TOOTH DISEASE, AXONAL, AUTOSOMAL DOMINANT, TYPE 2C; Charcot-Marie-Tooth Neuropathy Type 2C; Charcot-Marie-Tooth Disease Type 2, TRPV4-Related (CMT2C). Identifiers: Orphanet 99937, MedGen C1853710, MONDO:0011633, OMIM 606071.

Submission:

Labcorp Genetics (formerly Invitae), Labcorp
Classification: Uncertain significance for Charcot-Marie-Tooth disease axonal type 2C. Last evaluated: 2022-06-04. Review status: criteria provided, single submitter. Criteria: Invitae Variant Classification Sherloc (09022015). Collection method: clinical testing. Allele origin: germline.
Comment: This sequence change replaces asparagine, which is neutral and polar, with lysine, which is basic and polar, at codon 207 of the TRPV4 protein (p.Asn207Lys). In summary, the available evidence is currently insufficient to determine the role of this variant in disease. Therefore, it has been classified as a Variant of Uncertain Significance. Advanced modeling of protein sequence and biophysical properties (such as structural, functional, and spatial information, amino acid conservation, physicochemical variation, residue mobility, and thermodynamic stability) performed at Invitae indicates that this missense variant is not expected to disrupt TRPV4 protein function. This variant has not been reported in the literature in individuals affected with TRPV4-related conditions. This variant is not present in population databases (gnomAD no frequency).